The following is an entry in ClinVar:

NM_001160148.2(DDHD1):c.280G>C (p.Ala94Pro)

Gene: DDHD1 (DDHD domain containing 1; minus strand). Cytogenetic location: 14q22.1.
Variant type: single nucleotide variant.
Coding change: c.280G>C on transcript NM_001160148.2 (MANE Select); coding-DNA position 280, G replaced by C.
Protein change: p.Ala94Pro; replaces alanine 94 with proline.
Molecular consequence: missense variant.
Genome position (GRCh38, 1-based): chr14:53,152,819, C>G on the plus strand (G>C on the coding strand, the complement: DDHD1 is on the minus strand). VCF-style: chr14-53152819-C-G. GRCh37 (hg19) VCF-style: chr14-53619537-C-G.
Other names: c.280G>C, p.Ala94Pro (NM_001160147.2, NM_030637.3); c.280G>C (NM_001160148.1); short protein forms A94P.
Identifiers: ClinVar variation 464310 (VCV000464310.7), dbSNP rs758060048, ClinGen allele CA7191549.

ClinVar aggregate classification (germline): Uncertain significance. Review status: criteria provided, multiple submitters, no conflicts (2 of 4 stars). 2 submissions from 2 submitters: Uncertain significance (2). Last evaluated 2025-08-28.

Conditions:
Inborn genetic diseases. Identifiers: MedGen C0950123, MeSH D030342.
Hereditary spastic paraplegia 28. Also called: Spastic paraplegia 28, autosomal recessive. Identifiers: Orphanet 101008, MedGen C1836295, MONDO:0012256, OMIM 609340.

Allele frequency attached by ClinVar (database versions not stated): TOPMed 0.00003; gnomAD 0.00005.
gnomAD v4.1: 50 of 1,611,130 alleles (0.0031%); highest among the groups gnomAD compares: African/African-American, 0.0094%; no homozygotes.

Submissions (2):

Ambry Genetics
Classification: Uncertain significance for Inborn genetic diseases. Last evaluated: 2025-08-28. Review status: criteria provided, single submitter. Criteria: Ambry Variant Classification Scheme 2023. Collection method: clinical testing. Allele origin: germline.

Labcorp Genetics (formerly Invitae), Labcorp
Classification: Uncertain significance for Hereditary spastic paraplegia 28. Last evaluated: 2021-09-01. Review status: criteria provided, single submitter. Criteria: Invitae Variant Classification Sherloc (09022015). Collection method: clinical testing. Allele origin: germline.
Comment: This sequence change replaces alanine with proline at codon 94 of the DDHD1 protein (p.Ala94Pro). The alanine residue is moderately conserved and there is a small physicochemical difference between alanine and proline. This variant is present in population databases (rs758060048, ExAC 0.02%). This variant has not been reported in the literature in individuals affected with DDHD1-related conditions. Algorithms developed to predict the effect of missense changes on protein structure and function are either unavailable or do not agree on the potential impact of this missense change (SIFT: "Tolerated"; PolyPhen-2: "Probably Damaging"; Align-GVGD: "Class C0"). In summary, the available evidence is currently insufficient to determine the role of this variant in disease. Therefore, it has been classified as a Variant of Uncertain Significance.